The following is an entry in ClinVar:

ClinVar aggregate classification (germline): Uncertain significance (1 of 4 stars; one submission).

Conditions:
Generalized juvenile polyposis/juvenile polyposis coli. Also called: Juvenile polyposis coli. Identifiers: Orphanet 329971, MedGen C1868081, MONDO:0008276.

Submission:

Labcorp Genetics (formerly Invitae), Labcorp
Classification: Uncertain significance for Juvenile polyposis syndrome. Last evaluated: 2019-03-18. Review status: criteria provided, single submitter. Criteria: Invitae Variant Classification Sherloc (09022015). Collection method: clinical testing. Allele origin: germline.
Comment: This variant results in a copy number gain of the genomic region encompassing the full coding sequence of the BMPR1A gene. The boundaries of this event are unknown as they extend beyond the assayed region for this gene and therefore may encompass additional genes. As the precise location of this event is unknown, it may be in tandem or it may be located elsewhere in the genome. This variant has not been reported in the literature in individuals with BMPR1A-related disease. In summary, the available evidence is currently insufficient to determine the role of this variant in disease. Therefore, it has been classified as a Variant of Uncertain Significance.

NC_000010.10:g.(?_88598623)_(88683482_?)dup

Genes: BMPR1A (bone morphogenetic protein receptor type 1A; plus strand), LOC130004246 (ATAC-STARR-seq lymphoblastoid silent region 2574; plus strand), LOC130004247 (ATAC-STARR-seq lymphoblastoid active region 3697; plus strand). Cytogenetic location: 10q23.2.
Variant type: Duplication.
Identifiers: ClinVar variation 460467 (VCV000460467.2).